The following is an entry in ClinVar:

NM_000075.4(CDK4):c.40G>A (p.Val14Ile)

Gene: CDK4 (cyclin dependent kinase 4; minus strand). Cytogenetic location: 12q14.1.
Variant type: single nucleotide variant.
Coding change: c.40G>A on transcript NM_000075.4 (MANE Select); coding-DNA position 40, G replaced by A.
Protein change: p.Val14Ile; replaces valine 14 with isoleucine.
Molecular consequence: missense variant.
Genome position (GRCh38, 1-based): chr12:57,751,678, C>T on the plus strand (G>A on the coding strand, the complement: CDK4 is on the minus strand). VCF-style: chr12-57751678-C-T. GRCh37 (hg19) VCF-style: chr12-58145461-C-T.
Other names: short protein forms V14I.
Identifiers: ClinVar variation 3830871 (VCV003830871.1).
Genomic context (GRCh38, chr12:57,751,678, plus strand): 5'-GGGCCACAAAGTGGCCACTGTGGGGATCACGGGCCTTGTACACTGTCCCATAGGCACCGA[C>T]ACCAATTTCAGCCACTGGCTCATATCGAGAGGTAGCCATTCTCAGATCAAGGGAGACCCT-3'
Protein context (NP_000066.1, residues 4-24): SRYEPVAEIG[Val14Ile]GAYGTVYKAR

ClinVar aggregate classification (germline): Uncertain significance (1 of 4 stars; one submission).

Conditions:
Hereditary cancer-predisposing syndrome. Also called: Hereditary neoplastic syndrome; Neoplastic Syndromes, Hereditary; Tumor predisposition; Hereditary Cancer Syndrome. Identifiers: Orphanet 140162, MedGen C0027672, MeSH D009386, MONDO:0015356.

Submission:

Ambry Genetics
Classification: Uncertain significance for Hereditary cancer-predisposing syndrome. Last evaluated: 2025-03-06. Review status: criteria provided, single submitter. Criteria: Ambry Variant Classification Scheme 2023. Collection method: clinical testing. Allele origin: germline.
Comment: The p.V14I variant (also known as c.40G>A), located in coding exon 1 of the CDK4 gene, results from a G to A substitution at nucleotide position 40. The valine at codon 14 is replaced by isoleucine, an amino acid with highly similar properties. This amino acid position is not well conserved in available vertebrate species. In addition, this alteration is predicted to be tolerated by in silico analysis. Based on the available evidence, the clinical significance of this variant remains unclear.